The following is an entry in ClinVar:

NM_000303.3(PMM2):c.590A>C (p.Glu197Ala)

Gene: PMM2 (phosphomannomutase 2; plus strand). Cytogenetic location: 16p13.2.
Variant type: single nucleotide variant.
Coding change: c.590A>C on transcript NM_000303.3 (MANE Select); coding-DNA position 590, A replaced by C.
Protein change: p.Glu197Ala; replaces glutamic acid 197 with alanine.
Molecular consequence: missense variant.
Genome position (GRCh38, 1-based): chr16:8,813,057, A>C. VCF-style: chr16-8813057-A-C. GRCh37 (hg19) VCF-style: chr16-8906914-A-C.
Other names: NM_000303.2(PMM2):c.590A>C(p.Glu197Ala); short protein forms E197A.
Identifiers: ClinVar variation 92803 (VCV000092803.62), dbSNP rs34258285, ClinGen allele CA146027.

ClinVar aggregate classification (germline): Benign/Likely benign. Review status: criteria provided, multiple submitters, no conflicts (2 of 4 stars). 16 submissions from 16 submitters: Benign (7); Likely benign (6). 3 of the submissions do not count toward it. Last evaluated 2026-09-01.

Conditions:
PMM2-congenital disorder of glycosylation. Also called: PHOSPHOMANNOMUTASE 2 DEFICIENCY; JAEKEN SYNDROME; CARBOHYDRATE-DEFICIENT GLYCOPROTEIN SYNDROME, TYPE Ia; Congenital disorder of glycosylation, type Ia; PMM2-CDG; CDG Ia. Identifiers: Orphanet 79318, MedGen C0349653, MONDO:0008907, OMIM 212065.

Allele frequency attached by ClinVar (database versions not stated): 1000 Genomes Project 0.00899; ESP Exome Variant Server 0.01847; gnomAD exomes 0.02343 and 0.01995; TOPMed 0.01727; ExAC 0.01930; gnomAD 0.01993 and 0.02088; 1000 Genomes Project 30x 0.00874.
gnomAD v4.1: 37,039 of 1,613,114 alleles (2.3%); highest among the groups gnomAD compares: Non-Finnish European, 2.6%; 535 homozygotes.

Submissions (16):

CeGaT Center for Human Genetics Tuebingen
Classification: Benign. Last evaluated: 2026-09-01. Review status: criteria provided, single submitter. Criteria: CeGaT Center For Human Genetics Tuebingen Variant Classification Criteria Version 2. Collection method: clinical testing. Allele origin: germline. Affected: yes. Observed: 56 variant alleles.
Comment: PMM2: BS1, BS2

Labcorp Genetics (formerly Invitae), Labcorp
Classification: Benign for PMM2-congenital disorder of glycosylation. Last evaluated: 2026-02-04. Review status: criteria provided, single submitter. Criteria: Invitae Variant Classification Sherloc (09022015). Collection method: clinical testing. Allele origin: germline.

Mayo Clinic Laboratories, Mayo Clinic
Classification: Benign. Last evaluated: 2025-11-06. Review status: criteria provided, single submitter. Criteria: ACMG Guidelines, 2015. Collection method: clinical testing. Allele origin: germline. Observed: 48 variant alleles.
Comment: BA1

Blueprint Genetics
Classification: Likely benign. Last evaluated: 2024-11-27. Review status: criteria provided, single submitter. Criteria: ACMG Guidelines, 2015. Collection method: clinical testing. Allele origin: germline.

Women's Health and Genetics/Laboratory Corporation of America, LabCorp
Classification: Likely benign. Last evaluated: 2021-12-10. Review status: criteria provided, single submitter. Criteria: LabCorp Variant Classification Summary - May 2015. Collection method: clinical testing. Allele origin: germline.

SIB Swiss Institute of Bioinformatics
Classification: Benign for PMM2-congenital disorder of glycosylation. Last evaluated: 2018-05-31. Review status: criteria provided, single submitter. Criteria: ACMG Guidelines, 2015. Collection method: curation. Allele origin: unknown.
Comment: This variant is interpreted as a Benign, for Congenital disorder of glycosylation, type IA, in Autosomal Recessive manner. The following ACMG Tag(s) were applied: BS1 => Allele frequency is greater than expected for disorder. BS2 => Observed in a healthy adult individual for a recessive (homozygous), dominant (heterozygous), or X-linked (hemizygous) disorder, with full penetrance expected at an early age. BS3-Supporting => BS3 downgraded in strength to supporting (PMID:21541725).

Illumina Laboratory Services, Illumina
Classification: Likely benign for PMM2-congenital disorder of glycosylation. Last evaluated: 2018-03-06. Review status: criteria provided, single submitter. Criteria: ICSL Variant Classification Criteria 13 December 2019. Collection method: clinical testing. Allele origin: germline.
Comment: This variant was observed in the ICSL laboratory as part of a predisposition screen in an ostensibly healthy population. It had not been previously curated by ICSL or reported in the Human Gene Mutation Database (HGMD: prior to June 1st, 2018), and was therefore a candidate for classification through an automated scoring system. Utilizing variant allele frequency, disease prevalence and penetrance estimates, and inheritance mode, an automated score was calculated to assess if this variant is too frequent to cause the disease. Based on the score and internal cut-off values, a variant classified as likely benign is not then subjected to further curation. The score for this variant resulted in a classification of likely benign for this disease.

Laboratory for Molecular Medicine, Mass General Brigham Personalized Medicine
Classification: Likely benign. Last evaluated: 2016-06-02. Review status: criteria provided, single submitter. Criteria: LMM Criteria. Collection method: clinical testing. Allele origin: germline.
Comment: Variant identified in a genome or exome case(s) and assessed due to predicted null impact of the variant or pathogenic assertions in the literature or databases. Disclaimer: This variant has not undergone full assessment. The following are preliminary notes: 1.9% in ExAC, 5% Finnish, 36 homozygotes

GeneDx
Classification: Benign. Last evaluated: 2016-03-04. Review status: criteria provided, single submitter. Criteria: GeneDx Variant Classification (06012015). Collection method: clinical testing. Allele origin: germline. Affected: yes.
Comment: This variant is considered likely benign or benign based on one or more of the following criteria: it is a conservative change, it occurs at a poorly conserved position in the protein, it is predicted to be benign by multiple in silico algorithms, and/or has population frequency not consistent with disease.

Genome Diagnostics Laboratory, University Medical Center Utrecht
Classification: Likely benign for PMM2-congenital disorder of glycosylation. Last evaluated: 2014-10-09. Review status: criteria provided, single submitter. Criteria: ACGS Guidelines, 2013. Collection method: clinical testing. Allele origin: germline. Affected: yes. Study: VKGL Data-share Consensus.

Eurofins Ntd Llc (ga)
Classification: Benign. Last evaluated: 2012-12-18. Review status: criteria provided, single submitter. Criteria: EGL Classification Definitions 2015. Collection method: clinical testing. Allele origin: germline. Observed: 7 variant alleles, 7 heterozygotes.

Breakthrough Genomics
Classification: Likely benign. Review status: criteria provided, single submitter. Criteria: ACMG Guidelines, 2015. Collection method: not provided. Allele origin: germline. Inheritance: Autosomal recessive inheritance. Affected: yes.

PreventionGenetics, part of Exact Sciences
Classification: Benign. Review status: criteria provided, single submitter. Criteria: ACMG Guidelines, 2015. Collection method: clinical testing. Allele origin: germline.

Natera, Inc.
Classification: Benign for Congenital disorder of glycosylation type 1a. Last evaluated: 2019-11-05. Review status: no assertion criteria provided. Collection method: clinical testing. Allele origin: germline. Not counted in ClinVar's aggregate classification.

Clinical Genetics, Academic Medical Center
Classification: Benign. Review status: no assertion criteria provided. Collection method: clinical testing. Allele origin: germline. Affected: yes. Study: VKGL Data-share Consensus. Not counted in ClinVar's aggregate classification.

Diagnostic Laboratory, Department of Genetics, University Medical Center Groningen
Classification: Benign for PMM2-congenital disorder of glycosylation. Review status: no assertion criteria provided. Collection method: clinical testing. Allele origin: germline. Affected: yes. Study: VKGL Data-share Consensus. Not counted in ClinVar's aggregate classification.

Literature cited by the submitters: PubMed 21541725 (cited by SIB Swiss Institute of Bioinformatics).